The following is an entry in ClinVar:

ClinVar aggregate classification (germline): Pathogenic (1 of 4 stars; one submission).

Conditions:
Primary ciliary dyskinesia 3. Identifiers: Orphanet 244, MedGen C1837618, MONDO:0012085, OMIM 608644.

Submission:

Myriad Genetics, Inc.
Classification: Pathogenic for Primary ciliary dyskinesia 3. Last evaluated: 2024-05-14. Review status: criteria provided, single submitter. Criteria: Myriad Autosomal Dominant, Autosomal Recessive and X-Linked Classification Criteria (2023). Collection method: clinical testing. Allele origin: unknown.
Comment: NM_001369.2(DNAH5):c.3719_3720ins19(K1241Cfs*6) is expected to be pathogenic in the context of primary ciliary dyskinesia, DNAH5-related. This variant is predicted to lead to an abnormal or absent protein product due to the creation of a premature termination codon in DNAH5, a gene where loss-of-function variants are known to be pathogenic. Please note: this variant was assessed in the context of healthy population screening.

NM_001369.3(DNAH5):c.3719_3720insCTGTCTCTTATACACATAG (p.Asn1240_Lys1241insCysLeuLeuTyrThrTer)

Genes: DNAH5 (dynein axonemal heavy chain 5; minus strand), DNAH5-AS1 (DNAH5 antisense RNA 1; plus strand). Cytogenetic location: 5p15.2.
Variant type: Insertion.
Coding change: c.3719_3720insCTGTCTCTTATACACATAG on transcript NM_001369.3 (MANE Select); coding-DNA positions 3719 to 3720, CTGTCTCTTATACACATAG inserted.
Protein change: p.Asn1240_Lys1241insCysLeuLeuTyrThrTer.
Molecular consequence: nonsense.
Genome position: GRCh38 VCF-style: chr5-13870881-A-ACTATGTGTATAAGAGACAG. GRCh37 (hg19) VCF-style: chr5-13870990-A-ACTATGTGTATAAGAGACAG.
Identifiers: ClinVar variation 5010555 (VCV005010555.1).